The following is an entry in ClinVar:

ClinVar aggregate classification (germline): Uncertain significance. Review status: criteria provided, multiple submitters, no conflicts (2 of 4 stars). 3 submissions from 3 submitters: Uncertain significance (3). Last evaluated 2025-07-31.

Conditions:
Transient bullous dermolysis of the newborn (TBDN). Also called: DYSTROPHIC EPIDERMOLYSIS BULLOSA, NEONATAL; EPIDERMOLYSIS BULLOSA DYSTROPHICA, NEONATAL FORM. Identifiers: Orphanet 79411, MedGen C1851573, MONDO:0007548, OMIM 131705.
Pretibial dystrophic epidermolysis bullosa. Also called: Pretibial blistering; Pretibial epidermolysis bullosa; EPIDERMOLYSIS BULLOSA DYSTROPHICA, PRETIBIAL. Identifiers: Orphanet 79410, MedGen C0432321, MONDO:0007552, OMIM 131850, HP:0012221.
Dominant dystrophic epidermolysis bullosa with absence of skin. Also called: EPIDERMOLYSIS BULLOSA DYSTROPHICA, BART TYPE; EPIDERMOLYSIS BULLOSA WITH CONGENITAL LOCALIZED ABSENCE OF SKIN AND DEFORMITY OF NAILS. Identifiers: MedGen C0268371, MONDO:0007557, OMIM 132000.
Nonsyndromic congenital nail disorder 8. Also called: TOENAIL DYSTROPHY, ISOLATED. Identifiers: MedGen C1843761, MONDO:0011852, OMIM 607523.
Recessive dystrophic epidermolysis bullosa (RDEB). Also called: Epidermolysis Bullosa Distrophica Autosomal Recessive (RDEB); Recessive DEB (RDEB); Hallopeau-Siemens Disease; epidermolysis bullosa dystrophica, autosomal recessive; EPIDERMOLYSIS BULLOSA DYSTROPHICA, GENERALIZED SEVERE, AUTOSOMAL RECESSIVE; DYSTROPHIC EPIDERMOLYSIS BULLOSA, AUTOSOMAL RECESSIVE. Identifiers: Orphanet 79408, Orphanet 79409, MedGen C0079474, MONDO:0009179, OMIM 226600.
Epidermolysis bullosa pruriginosa. Also called: DEB, PRURIGINOSA; DYSTROPHIC EPIDERMOLYSIS BULLOSA PRURIGINOSA. Identifiers: Orphanet 89843, MedGen C1275114, MONDO:0011398, OMIM 604129.
Generalized dominant dystrophic epidermolysis bullosa (DDEB). Also called: DDEB, generalized; DDEB-gen; DYSTROPHIC EPIDERMOLYSIS BULLOSA, AUTOSOMAL DOMINANT; Epidermolysis bullosa dystrophica, autosomal dominant; Dominant DEB (DDEB). Identifiers: Orphanet 231568, MedGen C0432322, MONDO:0007549, OMIM 131750.
Epidermolysis bullosa dystrophica. Also called: Dystrophic epidermolysis bullosa, Hallopeau-Siemens type (formerly); Dystrophic epidermolysis bullosa. Identifiers: Orphanet 303, MedGen C0079294, MONDO:0006543.

Allele frequency attached by ClinVar (database versions not stated): gnomAD exomes 0.00004; ExAC 0.00005; TOPMed 0.00005; gnomAD 0.00006; ESP Exome Variant Server 0.00008.

Submissions (3):

Labcorp Genetics (formerly Invitae), Labcorp
Classification: Uncertain significance. Last evaluated: 2025-07-31. Review status: criteria provided, single submitter. Criteria: Invitae Variant Classification Sherloc (09022015). Collection method: clinical testing. Allele origin: germline.
Comment: This sequence change replaces methionine, which is neutral and non-polar, with threonine, which is neutral and polar, at codon 1189 of the COL7A1 protein (p.Met1189Thr). This variant is present in population databases (rs371470848, gnomAD 0.009%). This variant has not been reported in the literature in individuals affected with COL7A1-related conditions. ClinVar contains an entry for this variant (Variation ID: 902546). Invitae Evidence Modeling of protein sequence and biophysical properties (such as structural, functional, and spatial information, amino acid conservation, physicochemical variation, residue mobility, and thermodynamic stability) indicates that this missense variant is not expected to disrupt COL7A1 protein function with a negative predictive value of 95%. In summary, the available evidence is currently insufficient to determine the role of this variant in disease. Therefore, it has been classified as a Variant of Uncertain Significance.

Fulgent Genetics
Classification: Uncertain significance for Transient bullous dermolysis of the newborn; Generalized dominant dystrophic epidermolysis bullosa; Pretibial dystrophic epidermolysis bullosa; Dominant dystrophic epidermolysis bullosa with absence of skin; Recessive dystrophic epidermolysis bullosa; Epidermolysis bullosa pruriginosa; Nonsyndromic congenital nail disorder 8. Last evaluated: 2021-11-08. Review status: criteria provided, single submitter. Criteria: ACMG Guidelines, 2015. Collection method: clinical testing. Allele origin: unknown.

Illumina Laboratory Services, Illumina
Classification: Uncertain significance for Dystrophic epidermolysis bullosa. Last evaluated: 2017-04-28. Review status: criteria provided, single submitter. Criteria: ICSL Variant Classification Criteria 13 December 2019. Collection method: clinical testing. Allele origin: germline.

NM_000094.4(COL7A1):c.3566T>C (p.Met1189Thr)

Gene: COL7A1 (collagen type VII alpha 1 chain; minus strand). Cytogenetic location: 3p21.31.
Variant type: single nucleotide variant.
Coding change: c.3566T>C on transcript NM_000094.4 (MANE Select); coding-DNA position 3566, T replaced by C.
Protein change: p.Met1189Thr; replaces methionine 1189 with threonine.
Molecular consequence: missense variant.
Genome position (GRCh38, 1-based): chr3:48,586,231, A>G on the plus strand (T>C on the coding strand, the complement: COL7A1 is on the minus strand). VCF-style: chr3-48586231-A-G. GRCh37 (hg19) VCF-style: chr3-48623664-A-G.
Other names: short protein forms M1189T.
Identifiers: ClinVar variation 902546 (VCV000902546.9), dbSNP rs371470848, ClinGen allele CA2380476.